The following is an entry in ClinVar:

NM_001042545.2(LTBP4):c.4516G>T (p.Val1506Phe)

Gene: LTBP4 (latent transforming growth factor beta binding protein 4; plus strand). Cytogenetic location: 19q13.2.
Variant type: single nucleotide variant.
Coding change: c.4516G>T on transcript NM_001042545.2 (MANE Select); coding-DNA position 4516, G replaced by T.
Protein change: p.Val1506Phe; replaces valine 1506 with phenylalanine.
Molecular consequence: missense variant.
Genome position (GRCh38, 1-based): chr19:40,627,854, G>T. VCF-style: chr19-40627854-G-T. GRCh37 (hg19) VCF-style: chr19-41133759-G-T.
Other names: c.4606G>T, p.Val1536Phe (NM_003573.2); c.4717G>T, p.Val1573Phe (NM_001042544.1); short protein forms V1506F, V1536F, V1573F.
Identifiers: ClinVar variation 1327649 (VCV001327649.2), dbSNP rs768580577, ClinGen allele CA405912685.

ClinVar aggregate classification (germline): Uncertain significance (1 of 4 stars; one submission).

gnomAD v4.1: 5 of 1,563,016 alleles (0.00032%); highest among the groups gnomAD compares: Non-Finnish European, 0.00034%; no homozygotes.

Submission:

GeneDx
Classification: Uncertain significance. Last evaluated: 2021-06-08. Review status: criteria provided, single submitter. Criteria: GeneDx Variant Classification Process June 2021. Collection method: clinical testing. Allele origin: germline. Affected: yes.
Comment: Has not been previously published as pathogenic or benign to our knowledge; Not observed at significant frequency in large population cohorts (Lek et al., 2016); In silico analysis supports that this missense variant has a deleterious effect on protein structure/function; This variant is associated with the following publications: (PMID: 27535533)